The following is an entry in ClinVar:

ClinVar aggregate classification (germline): Uncertain significance (1 of 4 stars; one submission).

gnomAD v4.1: 1 of 1,614,182 alleles (0.000062%); highest among the groups gnomAD compares: Non-Finnish European, 0.000085%; no homozygotes.

Submission:

GeneDx
Classification: Uncertain significance. Last evaluated: 2024-08-26. Review status: criteria provided, single submitter. Criteria: GeneDx Variant Classification Process June 2021. Collection method: clinical testing. Allele origin: germline. Affected: yes.
Comment: Not observed at significant frequency in large population cohorts (gnomAD); In silico analysis supports that this missense variant has a deleterious effect on protein structure/function; Has not been previously published as pathogenic or benign to our knowledge

NM_006420.3(ARFGEF2):c.4722A>C (p.Lys1574Asn)

Gene: ARFGEF2 (ARF guanine nucleotide exchange factor 2; plus strand). Cytogenetic location: 20q13.13.
Variant type: single nucleotide variant.
Coding change: c.4722A>C on transcript NM_006420.3 (MANE Select); coding-DNA position 4722, A replaced by C.
Protein change: p.Lys1574Asn; replaces lysine 1574 with asparagine.
Molecular consequence: missense variant.
Genome position (GRCh38, 1-based): chr20:49,023,148, A>C. VCF-style: chr20-49023148-A-C. GRCh37 (hg19) VCF-style: chr20-47639685-A-C.
Other names: c.4719A>C, p.Lys1573Asn (NM_001410846.1); short protein forms K1573N, K1574N.
Identifiers: ClinVar variation 3766368 (VCV003766368.1).